The following is an entry in ClinVar:

NM_000426.4(LAMA2):c.4960-132A>G

Gene: LAMA2 (laminin subunit alpha 2; plus strand). Cytogenetic location: 6q22.33.
Variant type: single nucleotide variant.
Coding change: c.4960-132A>G on transcript NM_000426.4 (MANE Select); 132 bases into the intron before coding-DNA position 4960, A replaced by G.
Molecular consequence: intron variant.
Genome position (GRCh38, 1-based): chr6:129,382,990, A>G. VCF-style: chr6-129382990-A-G. GRCh37 (hg19) VCF-style: chr6-129704135-A-G.
Other names: c.4960-132A>G (NM_001079823.2).
Identifiers: ClinVar variation 1050224 (VCV001050224.1), dbSNP rs2114653633, ClinGen allele CA2499218077.

ClinVar aggregate classification (germline): Uncertain significance (0 of 4 stars; one submission).

Conditions:
Muscular dystrophy. Identifiers: Orphanet 98473, MedGen C0026850, MeSH D009136, MONDO:0020121, HP:0003560.

Allele frequency attached by ClinVar (database versions not stated): gnomAD exomes below 0.00001.
gnomAD v4.1: 1 of 728,420 alleles (0.00014%); highest among the groups gnomAD compares: Non-Finnish European, 0.00025%; no homozygotes.

Submission:

Department of Pathology and Laboratory Medicine, Sinai Health System
Classification: Uncertain significance for Muscular dystrophy. Review status: no assertion criteria provided. Collection method: clinical testing. Allele origin: unknown. Affected: yes. Study: The Canadian Open Genetics Repository (COGR).
Comment: This variant was not observed in any population databases. In silico or computation prediction software suggest this variant may affect the branch point site, however, additional study is needed to determine if this variant affects mRNA splicing. In summary, the clinical significance of this variant cannot be determined with certainty at this time.